The following is an entry in ClinVar:

NM_000370.3(TTPA):c.453_460del (p.Asn152fs)

Gene: TTPA (alpha tocopherol transfer protein; minus strand). Cytogenetic location: 8q12.3.
Variant type: Deletion.
Coding change: c.453_460del on transcript NM_000370.3 (MANE Select); coding-DNA positions 453 to 460, 8 bases deleted (GAATGGAA; older notation c.453_460delGAATGGAA).
Protein change: p.Asn152fs; shifts the reading frame from asparagine 152.
Molecular consequence: frameshift variant. On other transcripts: non-coding transcript variant (2), intron variant (3).
Genome position (GRCh38, 1-based): chr8:63,065,996-63,066,003, TTCCATTC deleted on the plus strand (GAATGGAA on the coding strand, the reverse complement: TTPA is on the minus strand). VCF-style (leftmost placement, unchanged base first): chr8-63065995-ATTCCATTC-A. GRCh37 (hg19) VCF-style: chr8-63978554-ATTCCATTC-A.
Other names: c.453_460del, p.Asn152fs (NM_001413416.1); c.570_577del, p.Asn191fs (NM_001413418.1); c.205-4578_205-4571del (NM_001413417.1); c.205-1687_205-1680del (NM_001413414.1); c.359-4578_359-4571del (NM_001413415.1); short protein forms N152fs, N191fs.
Identifiers: ClinVar variation 5014138 (VCV005014138.1).

ClinVar aggregate classification (germline): Pathogenic (1 of 4 stars; one submission).

Conditions:
Familial isolated deficiency of vitamin E (AVED). Also called: ATAXIA, FRIEDREICH-LIKE, WITH SELECTIVE VITAMIN E DEFICIENCY; Ataxia with isolated vitamin E deficiency. Identifiers: Orphanet 96, MedGen C1848533, MONDO:0010188, OMIM 277460.

Submission:

Myriad Genetics, Inc.
Classification: Pathogenic for Familial isolated deficiency of vitamin E. Last evaluated: 2025-02-27. Review status: criteria provided, single submitter. Criteria: Myriad Autosomal Dominant, Autosomal Recessive and X-Linked Classification Criteria (2023). Collection method: clinical testing. Allele origin: unknown.
Comment: NM_000370.3(TTPA):c.453_460del8(N152Qfs*5) is expected to be pathogenic in the context of ataxia with vitamin E deficiency. This variant is predicted to lead to an abnormal or absent protein product due to the creation of a premature termination codon in TTPA, a gene where loss-of-function variants are known to be pathogenic. Please note: this variant was assessed in the context of healthy population screening.